The following is an entry in ClinVar:

ClinVar aggregate classification (germline): Uncertain significance (1 of 4 stars; one submission).

Allele frequency attached by ClinVar (database versions not stated): gnomAD 0.00001; TOPMed 0.00001; gnomAD exomes 0.00001.
gnomAD v4.1: 6 of 1,551,956 alleles (0.00039%); highest among the groups gnomAD compares: Admixed American, 0.0078%; no homozygotes.

Submission:

Labcorp Genetics (formerly Invitae), Labcorp
Classification: Uncertain significance. Last evaluated: 2022-02-04. Review status: criteria provided, single submitter. Criteria: Invitae Variant Classification Sherloc (09022015). Collection method: clinical testing. Allele origin: germline.
Comment: This sequence change replaces lysine, which is basic and polar, with glutamic acid, which is acidic and polar, at codon 153 of the CPLANE1 protein (p.Lys153Glu). This variant is present in population databases (no rsID available, gnomAD 0.008%). This variant has not been reported in the literature in individuals affected with CPLANE1-related conditions. Advanced modeling of protein sequence and biophysical properties (such as structural, functional, and spatial information, amino acid conservation, physicochemical variation, residue mobility, and thermodynamic stability) performed at Invitae indicates that this missense variant is not expected to disrupt CPLANE1 protein function. In summary, the available evidence is currently insufficient to determine the role of this variant in disease. Therefore, it has been classified as a Variant of Uncertain Significance.

NM_001384732.1(CPLANE1):c.457A>G (p.Lys153Glu)

Gene: CPLANE1 (ciliogenesis and planar polarity effector complex subunit 1; minus strand). Cytogenetic location: 5p13.2.
Variant type: single nucleotide variant.
Coding change: c.457A>G on transcript NM_001384732.1 (MANE Select); coding-DNA position 457, A replaced by G.
Protein change: p.Lys153Glu; replaces lysine 153 with glutamic acid.
Molecular consequence: missense variant.
Genome position (GRCh38, 1-based): chr5:37,244,488, T>C on the plus strand (A>G on the coding strand, the complement: CPLANE1 is on the minus strand). VCF-style: chr5-37244488-T-C. GRCh37 (hg19) VCF-style: chr5-37244590-T-C.
Other names: c.457A>G, p.Lys153Glu (NM_023073.4); short protein forms K153E.
Identifiers: ClinVar variation 1446964 (VCV001446964.5), dbSNP rs1213278664, ClinGen allele CA359521640.
Genomic context (GRCh38, chr5:37,244,488, plus strand): 5'-GCAAGAGAACTGCTTCTTCAGGTATGACCTGGGACCACCGACCCGCCAATGAAAGGCTTT[T>C]AGAAGATAAGATATTCTTTAATTCCAAATATTCCCAAAGAAATATGCATCCAGAAGGTGT-3'
Protein context (NP_001371661.1, residues 143-163): YLELKNILSS[Lys153Glu]SLSLAGRWSQ